The following is an entry in ClinVar:

NM_006005.3(WFS1):c.2392G>A (p.Val798Ile)

Gene: WFS1 (wolframin ER transmembrane glycoprotein; plus strand). Cytogenetic location: 4p16.1.
Variant type: single nucleotide variant.
Coding change: c.2392G>A on transcript NM_006005.3 (MANE Select); coding-DNA position 2392, G replaced by A.
Protein change: p.Val798Ile; replaces valine 798 with isoleucine.
Molecular consequence: missense variant.
Genome position (GRCh38, 1-based): chr4:6,302,187, G>A. VCF-style: chr4-6302187-G-A. GRCh37 (hg19) VCF-style: chr4-6303914-G-A.
Other names: c.2392G>A, p.Val798Ile (NM_001145853.1); short protein forms V798I.
Identifiers: ClinVar variation 1450939 (VCV001450939.7), dbSNP rs377712049, ClinGen allele CA2839719.

ClinVar aggregate classification (germline): Conflicting classifications of pathogenicity. Review status: criteria provided, conflicting classifications (1 of 4 stars). 4 submissions from 4 submitters: Uncertain significance (3); Likely benign (1). Last evaluated 2026-09-01.

Conditions:
Inborn genetic diseases. Identifiers: MedGen C0950123, MeSH D030342.
Cataract 41 (CTRCT41). Also called: CATARACT 41, CONGENITAL NUCLEAR TYPE. Identifiers: Orphanet 91492, Orphanet 98991, Orphanet 98992, Orphanet 98995, MedGen C3805412, MONDO:0007287, OMIM 116400.
Wolfram syndrome 1 (WFS1). Identifiers: Orphanet 3463, MedGen C4551693, MONDO:0009101, OMIM 222300.
Autosomal dominant nonsyndromic hearing loss 6 (LFSNHL). Also called: Autosomal dominant nonsyndromic deafness 6; DEAFNESS, AUTOSOMAL DOMINANT 6; DEAFNESS, AUTOSOMAL DOMINANT 14; DEAFNESS, AUTOSOMAL DOMINANT 38. Identifiers: Orphanet 90635, MedGen C1833021, MONDO:0010963, OMIM 600965.
Type 2 diabetes mellitus. Also called: Type II diabetes mellitus. Identifiers: MedGen C0011860, MeSH D003924, MONDO:0005148, OMIM 125853, HP:0005978.
Wolfram-like syndrome. Also called: HEARING LOSS, PROGRESSIVE, WITH OPTIC ATROPHY AND/OR IMPAIRED GLUCOSE REGULATION. Identifiers: Orphanet 411590, MedGen C3280358, MONDO:0013673, OMIM 614296.

Allele frequency attached by ClinVar (database versions not stated): gnomAD 0.00005; TOPMed 0.00004; ESP Exome Variant Server 0.00008.
gnomAD v4.1: 27 of 1,612,446 alleles (0.0017%); highest among the groups gnomAD compares: African/African-American, 0.0067%; no homozygotes.

Submissions (4):

Ambry Genetics
Classification: Likely benign for Inborn genetic diseases. Last evaluated: 2026-09-01. Review status: criteria provided, single submitter. Criteria: Ambry Variant Classification Scheme 2023. Collection method: clinical testing. Allele origin: germline.

Labcorp Genetics (formerly Invitae), Labcorp
Classification: Uncertain significance. Last evaluated: 2025-11-10. Review status: criteria provided, single submitter. Criteria: Invitae Variant Classification Sherloc (09022015). Collection method: clinical testing. Allele origin: germline.
Comment: This sequence change replaces valine, which is neutral and non-polar, with isoleucine, which is neutral and non-polar, at codon 798 of the WFS1 protein (p.Val798Ile). This variant is present in population databases (rs377712049, gnomAD 0.02%). This variant has not been reported in the literature in individuals affected with WFS1-related conditions. ClinVar contains an entry for this variant (Variation ID: 1450939). Invitae Evidence Modeling of protein sequence and biophysical properties (such as structural, functional, and spatial information, amino acid conservation, physicochemical variation, residue mobility, and thermodynamic stability) indicates that this missense variant is not expected to disrupt WFS1 protein function with a negative predictive value of 95%. In summary, the available evidence is currently insufficient to determine the role of this variant in disease. Therefore, it has been classified as a Variant of Uncertain Significance.

GeneDx
Classification: Uncertain significance. Last evaluated: 2025-04-21. Review status: criteria provided, single submitter. Criteria: GeneDx Variant Classification Process June 2021. Collection method: clinical testing. Allele origin: germline. Affected: yes.
Comment: In silico analysis indicates that this missense variant does not alter protein structure/function; Has not been previously published as pathogenic or benign to our knowledge

Fulgent Genetics
Classification: Uncertain significance for Cataract 41; Type 2 diabetes mellitus; Wolfram syndrome 1; Autosomal dominant nonsyndromic hearing loss 6; Wolfram-like syndrome. Last evaluated: 2022-03-16. Review status: criteria provided, single submitter. Criteria: ACMG Guidelines, 2015. Collection method: clinical testing. Allele origin: unknown.